The following is an entry in ClinVar:

ClinVar aggregate classification (germline): Uncertain significance (1 of 4 stars; one submission).

gnomAD v4.1: 1 of 1,549,216 alleles (0.000065%); highest among the groups gnomAD compares: Non-Finnish European, 0.000087%; no homozygotes.

Submission:

GeneDx
Classification: Uncertain significance. Last evaluated: 2025-07-09. Review status: criteria provided, single submitter. Criteria: GeneDx Variant Classification Process June 2021. Collection method: clinical testing. Allele origin: germline. Affected: yes.
Comment: Not observed at significant frequency in large population cohorts (gnomAD); In silico analysis suggests that this missense variant does not alter protein structure/function; Has not been previously published as pathogenic or benign to our knowledge

NM_024665.7(TBL1XR1):c.34G>A (p.Val12Ile)

Gene: TBL1XR1 (TBL1X/Y related 1; minus strand). Cytogenetic location: 3q26.32.
Variant type: single nucleotide variant.
Coding change: c.34G>A on transcript NM_024665.7 (MANE Select); coding-DNA position 34, G replaced by A.
Protein change: p.Val12Ile; replaces valine 12 with isoleucine.
Molecular consequence: missense variant. On other transcripts: intron variant (2).
Genome position (GRCh38, 1-based): chr3:177,064,944, C>T on the plus strand (G>A on the coding strand, the complement: TBL1XR1 is on the minus strand). VCF-style: chr3-177064944-C-T. GRCh37 (hg19) VCF-style: chr3-176782732-C-T.
Other names: c.34G>A, p.Val12Ile (NM_001321193.3, NM_001321194.3, NM_001374327.1 and 2 more transcripts); c.-203-11026G>A (NM_001374330.1, NM_001321195.3); short protein forms V12I.
Identifiers: ClinVar variation 4686223 (VCV004686223.1).